The following is an entry in ClinVar:

NM_177438.3(DICER1):c.2876A>C (p.Lys959Thr)

Gene: DICER1 (dicer 1, ribonuclease III; minus strand). Cytogenetic location: 14q32.13.
Variant type: single nucleotide variant.
Coding change: c.2876A>C on transcript NM_177438.3 (MANE Select); coding-DNA position 2876, A replaced by C.
Protein change: p.Lys959Thr; replaces lysine 959 with threonine.
Molecular consequence: missense variant.
Genome position (GRCh38, 1-based): chr14:95,106,152, T>G on the plus strand (A>C on the coding strand, the complement: DICER1 is on the minus strand). VCF-style: chr14-95106152-T-G. GRCh37 (hg19) VCF-style: chr14-95572489-T-G.
Other names: c.2876A>C, p.Lys959Thr (NM_001195573.1, NM_001271282.3, NM_001291628.2 and 1 more transcripts); short protein forms K959T.
Identifiers: ClinVar variation 838755 (VCV000838755.13), dbSNP rs1891402881, ClinGen allele CA390879054.

ClinVar aggregate classification (germline): Uncertain significance. Review status: criteria provided, multiple submitters, no conflicts (2 of 4 stars). 2 submissions from 2 submitters: Uncertain significance (2). Last evaluated 2023-07-10.

Conditions:
Hereditary cancer-predisposing syndrome. Also called: Neoplastic Syndromes, Hereditary; Hereditary neoplastic syndrome; Tumor predisposition; Hereditary Cancer Syndrome. Identifiers: Orphanet 140162, MedGen C0027672, MeSH D009386, MONDO:0015356.
DICER1-related tumor predisposition. Also called: DICER1-related pleuropulmonary blastoma cancer predisposition syndrome; DICER1 syndrome. Identifiers: Orphanet 284343, MedGen C3839822, MONDO:0100216.

Allele frequency attached by ClinVar (database versions not stated): gnomAD exomes below 0.00001.
gnomAD v4.1: 1 of 1,613,960 alleles (0.000062%); highest among the groups gnomAD compares: Non-Finnish European, 0.000085%; no homozygotes.

Submissions (2):

Labcorp Genetics (formerly Invitae), Labcorp
Classification: Uncertain significance for DICER1-related tumor predisposition. Last evaluated: 2023-07-10. Review status: criteria provided, single submitter. Criteria: Invitae Variant Classification Sherloc (09022015). Collection method: clinical testing. Allele origin: germline.
Comment: This variant is not present in population databases (gnomAD no frequency). This sequence change replaces lysine, which is basic and polar, with threonine, which is neutral and polar, at codon 959 of the DICER1 protein (p.Lys959Thr). This variant has not been reported in the literature in individuals affected with DICER1-related conditions. ClinVar contains an entry for this variant (Variation ID: 838755). Advanced modeling of protein sequence and biophysical properties (such as structural, functional, and spatial information, amino acid conservation, physicochemical variation, residue mobility, and thermodynamic stability) performed at Invitae indicates that this missense variant is not expected to disrupt DICER1 protein function. In summary, the available evidence is currently insufficient to determine the role of this variant in disease. Therefore, it has been classified as a Variant of Uncertain Significance.

Ambry Genetics
Classification: Uncertain significance for Hereditary cancer-predisposing syndrome. Last evaluated: 2021-11-23. Review status: criteria provided, single submitter. Criteria: Ambry Variant Classification Scheme 2023. Collection method: clinical testing. Allele origin: germline.
Comment: The p.K959T variant (also known as c.2876A>C), located in coding exon 17 of the DICER1 gene, results from an A to C substitution at nucleotide position 2876. The lysine at codon 959 is replaced by threonine, an amino acid with similar properties. This amino acid position is highly conserved in available vertebrate species. In addition, this alteration is predicted to be tolerated by in silico analysis. Since supporting evidence is limited at this time, the clinical significance of this alteration remains unclear.